The following is an entry in ClinVar:

NC_000002.12:g.(?_113060832)_(113116890_?)del

Genes: IL1F10 (interleukin 1 family member 10; plus strand), IL36RN (interleukin 36 receptor antagonist; plus strand). Cytogenetic location: 2q13.
Variant type: Deletion.
Identifiers: ClinVar variation 832164 (VCV000832164.3).

ClinVar aggregate classification (germline): Likely pathogenic (1 of 4 stars; one submission).

Conditions:
Generalized pustular psoriasis. Identifiers: Orphanet 247353, MedGen C0343055, MONDO:0100491.

Submission:

Labcorp Genetics (formerly Invitae), Labcorp
Classification: Likely pathogenic for Generalized pustular psoriasis. Last evaluated: 2019-10-20. Review status: criteria provided, single submitter. Criteria: Invitae Variant Classification Sherloc (09022015). Collection method: clinical testing. Allele origin: germline.
Comment: In summary, the currently available evidence indicates that the variant is pathogenic, but additional data are needed to prove that conclusively. Therefore, this variant has been classified as Likely Pathogenic. This variant disrupts the p.Leu27 amino acid residue in IL36RN. Other variant(s) that disrupt this residue have been determined to be pathogenic (PMID: 21848462). This suggests that this residue is clinically significant, and that variants that disrupt this residue are likely to be disease-causing. This variant has not been reported in the literature in individuals with IL36RN-related conditions. This variant is a gross deletion of the genomic region encompassing exons 3-5 of the IL36RN gene. The 5' boundary is likely confined to intron 2. The 3' end of this event is unknown as it extends through the termination codon beyond the assayed region for this gene and may encompass additional genes. While this deletion is not anticipated to result in nonsense mediated decay, it is expected to create a truncated protein product or disrupt mRNA translation.

Literature cited by the submitters: PubMed 21848462.